The following is an entry in ClinVar:

NM_001364905.1(LRBA):c.5046C>T (p.Leu1682=)

Gene: LRBA (LPS responsive beige-like anchor protein; minus strand). Cytogenetic location: 4q31.3.
Variant type: single nucleotide variant.
Coding change: c.5046C>T on transcript NM_001364905.1 (MANE Select); coding-DNA position 5046, C replaced by T.
Protein change: p.Leu1682=; no amino-acid change (leucine 1682 retained).
Molecular consequence: synonymous variant.
Genome position (GRCh38, 1-based): chr4:150,828,305, G>A on the plus strand (C>T on the coding strand, the complement: LRBA is on the minus strand). VCF-style: chr4-150828305-G-A. GRCh37 (hg19) VCF-style: chr4-151749457-G-A.
Other names: p.Leu1682=; c.5046C>T, p.Leu1682= (NM_001199282.3, NM_001367550.1, NM_006726.5).
Identifiers: ClinVar variation 1149868 (VCV001149868.10), dbSNP rs1224113307, ClinGen allele CA442002942.

ClinVar aggregate classification (germline): Likely benign. Review status: criteria provided, multiple submitters, no conflicts (2 of 4 stars). 2 submissions from 2 submitters: Likely benign (2). Last evaluated 2025-09-04.

Conditions:
Combined immunodeficiency due to LRBA deficiency. Also called: Common variable immunodeficiency 8, with autoimmunity. Identifiers: Orphanet 445018, MedGen C3553512, MONDO:0013863, OMIM 614700.

Allele frequency attached by ClinVar (database versions not stated): gnomAD exomes below 0.00001; TOPMed 0.00001; gnomAD 0.00002.
gnomAD v4.1: 4 of 1,614,026 alleles (0.00025%); highest among the groups gnomAD compares: African/African-American, 0.0013%; no homozygotes.

Submissions (2):

Mayo Clinic Laboratories, Mayo Clinic
Classification: Likely benign. Last evaluated: 2025-09-04. Review status: criteria provided, single submitter. Criteria: ACMG Guidelines, 2015. Collection method: clinical testing. Allele origin: germline. Observed: 1 variant allele.
Comment: BP4, BP7, PM2_supporting

Labcorp Genetics (formerly Invitae), Labcorp
Classification: Likely benign for Combined immunodeficiency due to LRBA deficiency. Last evaluated: 2023-08-24. Review status: criteria provided, single submitter. Criteria: Invitae Variant Classification Sherloc (09022015). Collection method: clinical testing. Allele origin: germline.